The following is an entry in ClinVar:

NM_001873.4(CPE):c.963C>T (p.Ser321=)

Gene: CPE (carboxypeptidase E; plus strand). Cytogenetic location: 4q32.3.
Variant type: single nucleotide variant.
Coding change: c.963C>T on transcript NM_001873.4 (MANE Select); coding-DNA position 963, C replaced by T.
Protein change: p.Ser321=; no amino-acid change (serine 321 retained).
Molecular consequence: synonymous variant.
Genome position (GRCh38, 1-based): chr4:165,484,594, C>T. VCF-style: chr4-165484594-C-T. GRCh37 (hg19) VCF-style: chr4-166405746-C-T.
Identifiers: ClinVar variation 3032605 (VCV003032605.2), dbSNP rs773083460, ClinGen allele CA3130327.
Genomic context (GRCh38, chr4:165,484,594, plus strand): 5'-CAAGAATGATGATGACAGCAGCTTTGTAGATGGAACCACCAACGGTGGTGCTTGGTACAG[C>T]GTACCTGGAGGTGAGTTTCCATTGTGCTCTCTGATTATGTGATTGTAGCTTATTTACAAT-3'
Protein context (NP_001864.1, residues 311-331): DGTTNGGAWY[Ser321=]VPGGMQDFNY

ClinVar aggregate classification (germline): Likely benign (0 of 4 stars; one submission).

Conditions:
CPE-related disorder. Also called: CPE-related condition.

Allele frequency attached by ClinVar (database versions not stated): ExAC 0.00001; TOPMed 0.00002; gnomAD 0.00003; gnomAD exomes 0.00004.
gnomAD v4.1: 55 of 1,613,160 alleles (0.0034%); highest among the groups gnomAD compares: Admixed American, 0.0083%; no homozygotes.

Submission:

PreventionGenetics, part of Exact Sciences
Classification: Likely benign for CPE-related condition. Last evaluated: 2021-09-09. Review status: no assertion criteria provided. Collection method: clinical testing. Allele origin: germline.
Comment: This variant is classified as likely benign based on ACMG/AMP sequence variant interpretation guidelines (Richards et al. 2015 PMID: 25741868, with internal and published modifications).